The following is an entry in ClinVar:

NM_000051.4(ATM):c.6214G>A (p.Gly2072Arg)

Genes: ATM (ATM serine/threonine kinase; plus strand), C11orf65 (chromosome 11 open reading frame 65; minus strand). Cytogenetic location: 11q22.3.
Variant type: single nucleotide variant.
Coding change: c.6214G>A on transcript NM_000051.4 (MANE Select); coding-DNA position 6214, G replaced by A.
Protein change: p.Gly2072Arg; replaces glycine 2072 with arginine.
Molecular consequence: missense variant. On other transcripts: intron variant (2).
Genome position (GRCh38, 1-based): chr11:108,317,388, G>A. VCF-style: chr11-108317388-G-A. GRCh37 (hg19) VCF-style: chr11-108188115-G-A.
Other names: c.6214G>A, p.Gly2072Arg (NM_001351834.2); c.641-8317C>T (NM_001330368.2); c.*39-8317C>T (NM_001351110.2); short protein forms G2072R.
Identifiers: ClinVar variation 453620 (VCV000453620.20), dbSNP rs1555114568, ClinGen allele CA382551092.

ClinVar aggregate classification (germline): Uncertain significance. Review status: criteria provided, multiple submitters, no conflicts (2 of 4 stars). 5 submissions from 5 submitters: Uncertain significance (5). Last evaluated 2025-08-24.

Conditions:
Hereditary cancer-predisposing syndrome. Also called: Neoplastic Syndromes, Hereditary; Hereditary Cancer Syndrome; Tumor predisposition; Hereditary neoplastic syndrome. Identifiers: Orphanet 140162, MedGen C0027672, MeSH D009386, MONDO:0015356.
Ataxia-telangiectasia syndrome (AT). Also called: LOUIS-BAR SYNDROME; Cerebello-oculocutaneous telangiectasia; Immunodeficiency with ataxia telangiectasia; Ataxia-telangiectasia, complementation group D; AT, COMPLEMENTATION GROUP C; Ataxia-telangiectasia, complementation group E. Identifiers: Orphanet 100, MedGen C0004135, MONDO:0008840, OMIM 208900.
Familial cancer of breast. Also called: Hereditary breast cancer; BREAST CANCER, FAMILIAL; hereditary breast carcinoma. Identifiers: Orphanet 227535, MedGen C0346153, MONDO:0016419, OMIM 114480. Disease mechanism: loss of function.

Submissions (5):

Labcorp Genetics (formerly Invitae), Labcorp
Classification: Uncertain significance for Ataxia-telangiectasia syndrome. Last evaluated: 2025-08-24. Review status: criteria provided, single submitter. Criteria: Invitae Variant Classification Sherloc (09022015). Collection method: clinical testing. Allele origin: germline.
Comment: This sequence change replaces glycine, which is neutral and non-polar, with arginine, which is basic and polar, at codon 2072 of the ATM protein (p.Gly2072Arg). This variant is not present in population databases (gnomAD no frequency). This variant has not been reported in the literature in individuals affected with ATM-related conditions. ClinVar contains an entry for this variant (Variation ID: 453620). Invitae Evidence Modeling of protein sequence and biophysical properties (such as structural, functional, and spatial information, amino acid conservation, physicochemical variation, residue mobility, and thermodynamic stability) has been performed for this missense variant. However, the output from this modeling did not meet the statistical confidence thresholds required to predict the impact of this variant on ATM protein function. RNA analysis performed to evaluate the impact of this missense change on mRNA splicing indicates it does not significantly alter splicing (internal data). In summary, the available evidence is currently insufficient to determine the role of this variant in disease. Therefore, it has been classified as a Variant of Uncertain Significance.

Baylor Genetics
Classification: Uncertain significance for Familial cancer of breast. Last evaluated: 2023-12-19. Review status: criteria provided, single submitter. Criteria: ACMG Guidelines, 2015. Collection method: clinical testing. Allele origin: unknown.

GeneDx
Classification: Uncertain significance. Last evaluated: 2023-10-04. Review status: criteria provided, single submitter. Criteria: GeneDx Variant Classification Process June 2021. Collection method: clinical testing. Allele origin: germline. Affected: yes.
Comment: Not observed at significant frequency in large population cohorts (gnomAD); In silico analysis supports that this missense variant has a deleterious effect on protein structure/function; Has not been previously published as pathogenic or benign to our knowledge; In silico analysis is inconclusive as to whether the variant alters gene splicing. In the absence of RNA/functional studies, the actual effect of this sequence change is unknown.; This variant is associated with the following publications: (PMID: 23532176)

Ambry Genetics
Classification: Uncertain significance for Hereditary cancer-predisposing syndrome. Last evaluated: 2023-08-30. Review status: criteria provided, single submitter. Criteria: Ambry Variant Classification Scheme 2023. Collection method: clinical testing. Allele origin: germline.
Comment: The p.G2072R variant (also known as c.6214G>A), located in coding exon 42 of the ATM gene, results from a G to A substitution at nucleotide position 6214. The glycine at codon 2072 is replaced by arginine, an amino acid with dissimilar properties. This amino acid position is highly conserved in available vertebrate species. In addition, the in silico prediction for this alteration is inconclusive. Since supporting evidence is limited at this time, the clinical significance of this alteration remains unclear.

Color Diagnostics, LLC DBA Color Health
Classification: Uncertain significance for Hereditary cancer-predisposing syndrome. Last evaluated: 2020-05-11. Review status: criteria provided, single submitter. Criteria: ACMG Guidelines, 2015. Collection method: clinical testing. Allele origin: germline.
Comment: This missense variant replaces glycine with arginine at codon 2072 of the ATM protein. Computational prediction is inconclusive regarding the impact of this variant on protein structure and function (internally defined REVEL score threshold 0.5 < inconclusive < 0.7, PMID: 27666373). To our knowledge, functional studies have not been reported for this variant. This variant has not been reported in individuals affected with hereditary cancer in the literature. This variant has not been identified in the general population by the Genome Aggregation Database (gnomAD). The available evidence is insufficient to determine the role of this variant in disease conclusively. Therefore, this variant is classified as a Variant of Uncertain Significance.